The following is an entry in ClinVar:

ClinVar aggregate classification (germline): Uncertain significance (1 of 4 stars; one submission).

Conditions:
Bethlem myopathy 1A. Also called: Bethlem Muscular Dystrophy; MYOPATHY, BENIGN CONGENITAL, WITH CONTRACTURES; Bethlem myopathy 1. Identifiers: Orphanet 610, MedGen CN029274, MONDO:0024530, OMIM 158810.

Allele frequency attached by ClinVar (database versions not stated): gnomAD exomes below 0.00001.
gnomAD v4.1: 2 of 1,614,238 alleles (0.00012%); highest among the groups gnomAD compares: Non-Finnish European, 0.00017%; no homozygotes.

Submission:

Labcorp Genetics (formerly Invitae), Labcorp
Classification: Uncertain significance for Bethlem myopathy 1A. Last evaluated: 2022-02-02. Review status: criteria provided, single submitter. Criteria: Invitae Variant Classification Sherloc (09022015). Collection method: clinical testing. Allele origin: germline.
Comment: This sequence change replaces isoleucine, which is neutral and non-polar, with threonine, which is neutral and polar, at codon 993 of the COL6A3 protein (p.Ile993Thr). This variant is not present in population databases (gnomAD no frequency). This variant has not been reported in the literature in individuals affected with COL6A3-related conditions. ClinVar contains an entry for this variant (Variation ID: 1039226). Advanced modeling of protein sequence and biophysical properties (such as structural, functional, and spatial information, amino acid conservation, physicochemical variation, residue mobility, and thermodynamic stability) performed at Invitae indicates that this missense variant is not expected to disrupt COL6A3 protein function. In summary, the available evidence is currently insufficient to determine the role of this variant in disease. Therefore, it has been classified as a Variant of Uncertain Significance.

NM_004369.4(COL6A3):c.2978T>C (p.Ile993Thr)

Gene: COL6A3 (collagen type VI alpha 3 chain; minus strand). Cytogenetic location: 2q37.3.
Variant type: single nucleotide variant.
Coding change: c.2978T>C on transcript NM_004369.4 (MANE Select); coding-DNA position 2978, T replaced by C.
Protein change: p.Ile993Thr; replaces isoleucine 993 with threonine.
Molecular consequence: missense variant.
Genome position (GRCh38, 1-based): chr2:237,376,864, A>G on the plus strand (T>C on the coding strand, the complement: COL6A3 is on the minus strand). VCF-style: chr2-237376864-A-G. GRCh37 (hg19) VCF-style: chr2-238285507-A-G.
Other names: c.1157T>C, p.Ile386Thr (NM_057166.5); c.2360T>C, p.Ile787Thr (NM_057167.4, NM_057165.5); c.1757T>C, p.Ile586Thr (NM_057164.5); short protein forms I386T, I586T, I993T, I787T.
Identifiers: ClinVar variation 1039226 (VCV001039226.9), dbSNP rs2077856364, ClinGen allele CA351207264.
Genomic context (GRCh38, chr2:237,376,864, plus strand): 5'-AAGAGATTCACTATCTGTGGATGAAGATCTCCAATCTTGGGAAGCGACTCTGCAGCCAGG[A>G]TAAACGCTGGAGACAGCACGATCTGCTCTAACTCAGCAGGGTCTGCGTTCTTGGCTTGGA-3'
Protein context (NP_004360.2, residues 983-1003): LEQIVLSPAF[Ile993Thr]LAAESLPKIG